The following is an entry in ClinVar:

NM_014141.6(CNTNAP2):c.1032C>T (p.Gly344=)

Gene: CNTNAP2 (contactin associated protein 2; plus strand). Cytogenetic location: 7q35.
Variant type: single nucleotide variant.
Coding change: c.1032C>T on transcript NM_014141.6 (MANE Select); coding-DNA position 1032, C replaced by T.
Protein change: p.Gly344=; no amino-acid change (glycine 344 retained).
Molecular consequence: synonymous variant.
Genome position (GRCh38, 1-based): chr7:147,128,785, C>T. VCF-style: chr7-147128785-C-T. GRCh37 (hg19) VCF-style: chr7-146825877-C-T.
Identifiers: ClinVar variation 377705 (VCV000377705.19), dbSNP rs142122012, ClinGen allele CA4545951.

ClinVar aggregate classification (germline): Benign/Likely benign. Review status: criteria provided, multiple submitters, no conflicts (2 of 4 stars). 5 submissions from 5 submitters: Benign (1); Likely benign (3). 1 of the submissions does not count toward it. Last evaluated 2026-01-26.

Conditions:
CNTNAP2-related disorder. Also called: CNTNAP2-related condition.
Cortical dysplasia-focal epilepsy syndrome (PTHSL1). Also called: Pitt-Hopkins-like syndrome 1. Identifiers: Orphanet 163681, Orphanet 221150, MedGen C2750246, MONDO:0012400, OMIM 610042.
Inborn genetic diseases. Identifiers: MedGen C0950123, MeSH D030342.

Allele frequency attached by ClinVar (database versions not stated): ExAC 0.00007; gnomAD exomes 0.00008; gnomAD 0.00027 and 0.00030; TOPMed 0.00027; ESP Exome Variant Server 0.00046.
gnomAD v4.1: 94 of 1,613,900 alleles (0.0058%); highest among the groups gnomAD compares: African/African-American, 0.089%; no homozygotes.

Submissions (5):

Labcorp Genetics (formerly Invitae), Labcorp
Classification: Likely benign for Cortical dysplasia-focal epilepsy syndrome. Last evaluated: 2026-01-26. Review status: criteria provided, single submitter. Criteria: Invitae Variant Classification Sherloc (09022015). Collection method: clinical testing. Allele origin: germline.

Blueprint Genetics
Classification: Likely benign. Last evaluated: 2024-07-22. Review status: criteria provided, single submitter. Criteria: ACMG Guidelines, 2015. Collection method: clinical testing. Allele origin: germline.

Ambry Genetics
Classification: Likely benign for Inborn genetic diseases. Last evaluated: 2017-05-03. Review status: criteria provided, single submitter. Criteria: Ambry Variant Classification Scheme 2023. Collection method: clinical testing. Allele origin: germline.

GeneDx
Classification: Benign. Last evaluated: 2015-03-05. Review status: criteria provided, single submitter. Criteria: GeneDx Variant Classification (06012015). Collection method: clinical testing. Allele origin: germline. Affected: yes.
Comment: This variant is considered likely benign or benign based on one or more of the following criteria: it is a conservative change, it occurs at a poorly conserved position in the protein, it is predicted to be benign by multiple in silico algorithms, and/or has population frequency not consistent with disease.

PreventionGenetics, part of Exact Sciences
Classification: Likely benign for CNTNAP2-related condition. Last evaluated: 2019-09-04. Review status: no assertion criteria provided. Collection method: clinical testing. Allele origin: germline. Not counted in ClinVar's aggregate classification.
Comment: This variant is classified as likely benign based on ACMG/AMP sequence variant interpretation guidelines (Richards et al. 2015 PMID: 25741868, with internal and published modifications).